The following is an entry in ClinVar:

ClinVar aggregate classification (germline): Uncertain significance (1 of 4 stars; one submission).

Conditions:
Early-infantile DEE. Also called: Ohtahara syndrome; Early infantile epileptic encephalopathy with suppression bursts; Early infantile epileptic encephalopathy. Identifiers: Orphanet 1934, MedGen C0393706, MONDO:0800491.

Submission:

Labcorp Genetics (formerly Invitae), Labcorp
Classification: Uncertain significance for Early-infantile DEE. Last evaluated: 2022-06-27. Review status: criteria provided, single submitter. Criteria: Invitae Variant Classification Sherloc (09022015). Collection method: clinical testing. Allele origin: germline.
Comment: This sequence change replaces serine, which is neutral and polar, with asparagine, which is neutral and polar, at codon 421 of the ARHGEF15 protein (p.Ser421Asn). In summary, the available evidence is currently insufficient to determine the role of this variant in disease. Therefore, it has been classified as a Variant of Uncertain Significance. Algorithms developed to predict the effect of sequence changes on RNA splicing suggest that this variant may disrupt the consensus splice site. Algorithms developed to predict the effect of missense changes on protein structure and function are either unavailable or do not agree on the potential impact of this missense change (SIFT: "Deleterious"; PolyPhen-2: "Probably Damaging"; Align-GVGD: "Class C0"). ClinVar contains an entry for this variant (Variation ID: 1011055). This variant has not been reported in the literature in individuals affected with ARHGEF15-related conditions. This variant is not present in population databases (gnomAD no frequency).

NM_173728.4(ARHGEF15):c.1262G>A (p.Ser421Asn)

Gene: ARHGEF15 (Rho guanine nucleotide exchange factor 15; plus strand). Cytogenetic location: 17p13.1.
Variant type: single nucleotide variant.
Coding change: c.1262G>A on transcript NM_173728.4 (MANE Select); coding-DNA position 1262, G replaced by A.
Protein change: p.Ser421Asn; replaces serine 421 with asparagine.
Molecular consequence: missense variant.
Genome position (GRCh38, 1-based): chr17:8,315,415, G>A. VCF-style: chr17-8315415-G-A. GRCh37 (hg19) VCF-style: chr17-8218733-G-A.
Other names: c.1262G>A, p.Ser421Asn (NM_025014.2); short protein forms S421N.
Identifiers: ClinVar variation 1011055 (VCV001011055.9), dbSNP rs1904948121, ClinGen allele CA398020068.
Genomic context (GRCh38, chr17:8,315,415, plus strand): 5'-AGGGTCCTAGCTTCCCACGGTGAACTGGGCTTCCCACGACTGCCTGCTTTTCTTTCTAGA[G>A]TCTTTTCGAGGTGGTGACGTCCGAGGCTTCCTACCTGCGCTCCCTGCGGCTGCTGACCGA-3'
Protein context (NP_776089.2, residues 411-431): LSPQERRMQE[Ser421Asn]LFEVVTSEAS